The following is an entry in ClinVar:

NM_025074.7(FRAS1):c.401C>T (p.Ser134Leu)

Gene: FRAS1 (Fraser extracellular matrix complex subunit 1; plus strand). Cytogenetic location: 4q21.21.
Variant type: single nucleotide variant.
Coding change: c.401C>T on transcript NM_025074.7 (MANE Select); coding-DNA position 401, C replaced by T.
Protein change: p.Ser134Leu; replaces serine 134 with leucine.
Molecular consequence: missense variant.
Genome position (GRCh38, 1-based): chr4:78,252,483, C>T. VCF-style: chr4-78252483-C-T. GRCh37 (hg19) VCF-style: chr4-79173637-C-T.
Other names: c.401C>T, p.Ser134Leu (NM_001166133.2); short protein forms S134L.
Identifiers: ClinVar variation 2074316 (VCV002074316.4), dbSNP rs753738200, ClinGen allele CA2975935.

ClinVar aggregate classification (germline): Uncertain significance (1 of 4 stars; one submission).

Allele frequency attached by ClinVar (database versions not stated): ExAC 0.00001; gnomAD 0.00001; gnomAD exomes 0.00001.
gnomAD v4.1: 5 of 1,613,720 alleles (0.00031%); highest among the groups gnomAD compares: Admixed American, 0.0083%; no homozygotes.

Submission:

Labcorp Genetics (formerly Invitae), Labcorp
Classification: Uncertain significance. Last evaluated: 2022-12-06. Review status: criteria provided, single submitter. Criteria: Invitae Variant Classification Sherloc (09022015). Collection method: clinical testing. Allele origin: germline.
Comment: In summary, the available evidence is currently insufficient to determine the role of this variant in disease. Therefore, it has been classified as a Variant of Uncertain Significance. Algorithms developed to predict the effect of missense changes on protein structure and function output the following: SIFT: "Tolerated"; PolyPhen-2: "Benign"; Align-GVGD: "Class C0". The leucine amino acid residue is found in multiple mammalian species, which suggests that this missense change does not adversely affect protein function. This variant has not been reported in the literature in individuals affected with FRAS1-related conditions. This variant is present in population databases (rs753738200, gnomAD 0.01%). This sequence change replaces serine, which is neutral and polar, with leucine, which is neutral and non-polar, at codon 134 of the FRAS1 protein (p.Ser134Leu).